The following is an entry in ClinVar:

ClinVar aggregate classification (germline): Uncertain significance (1 of 4 stars; one submission).

Conditions:
T-B+ severe combined immunodeficiency due to JAK3 deficiency. Also called: SCID, autosomal recessive, T-negative/B-positive type; SCID, T CELL-NEGATIVE, B CELL-POSITIVE, NK CELL-NEGATIVE. Identifiers: Orphanet 35078, MedGen C1833275, MONDO:0010938, OMIM 600802.

Allele frequency attached by ClinVar (database versions not stated): gnomAD 0.00001; gnomAD exomes 0.00001; ExAC 0.00002; TOPMed 0.00003.
gnomAD v4.1: 13 of 1,613,774 alleles (0.00081%); highest among the groups gnomAD compares: Middle Eastern, 0.033%; no homozygotes.

Submission:

Labcorp Genetics (formerly Invitae), Labcorp
Classification: Uncertain significance for T-B+ severe combined immunodeficiency due to JAK3 deficiency. Last evaluated: 2022-09-07. Review status: criteria provided, single submitter. Criteria: Invitae Variant Classification Sherloc (09022015). Collection method: clinical testing. Allele origin: germline.
Comment: This sequence change replaces asparagine, which is neutral and polar, with serine, which is neutral and polar, at codon 636 of the JAK3 protein (p.Asn636Ser). This variant is present in population databases (rs781265732, gnomAD 0.01%). This variant has not been reported in the literature in individuals affected with JAK3-related conditions. Advanced modeling of protein sequence and biophysical properties (such as structural, functional, and spatial information, amino acid conservation, physicochemical variation, residue mobility, and thermodynamic stability) performed at Invitae indicates that this missense variant is not expected to disrupt JAK3 protein function. In summary, the available evidence is currently insufficient to determine the role of this variant in disease. Therefore, it has been classified as a Variant of Uncertain Significance.

NM_000215.4(JAK3):c.1907A>G (p.Asn636Ser)

Gene: JAK3 (Janus kinase 3; minus strand). Cytogenetic location: 19p13.11.
Variant type: single nucleotide variant.
Coding change: c.1907A>G on transcript NM_000215.4 (MANE Select); coding-DNA position 1907, A replaced by G.
Protein change: p.Asn636Ser; replaces asparagine 636 with serine.
Molecular consequence: missense variant.
Genome position (GRCh38, 1-based): chr19:17,835,931, T>C on the plus strand (A>G on the coding strand, the complement: JAK3 is on the minus strand). VCF-style: chr19-17835931-T-C. GRCh37 (hg19) VCF-style: chr19-17946740-T-C.
Other names: short protein forms N636S.
Identifiers: ClinVar variation 1979548 (VCV001979548.1), dbSNP rs781265732, ClinGen allele CA9301735.
Genomic context (GRCh38, chr19:17,835,931, plus strand): 5'-CAGAGAAAGCCTTCCCTGGGAATGGAGGGTGGAGCAGGCAGAGGAGCACTCACCAGATAG[T>C]TGAGGGCGTAGGCCAGCTGTTTGACCACCTGCAGCTTCCAGCTGGCTGGCACCAGGTGGC-3'
Protein context (NP_000206.2, residues 626-646): QVVKQLAYAL[Asn636Ser]YLEDKGLPHG